The following is an entry in ClinVar:

ClinVar aggregate classification (germline): Uncertain significance (1 of 4 stars; one submission).

Conditions:
Inborn genetic diseases. Identifiers: MedGen C0950123, MeSH D030342.

gnomAD v4.1: 1 of 1,613,754 alleles (0.000062%); highest among the groups gnomAD compares: Non-Finnish European, 0.000085%; no homozygotes.

Submission:

Ambry Genetics
Classification: Uncertain significance for Inborn genetic diseases. Last evaluated: 2025-08-04. Review status: criteria provided, single submitter. Criteria: Ambry Variant Classification Scheme 2023. Collection method: clinical testing. Allele origin: germline.
Comment: The p.F81L variant (also known as c.243C>A), located in coding exon 2 of the RTEL1 gene, results from a C to A substitution at nucleotide position 243. The phenylalanine at codon 81 is replaced by leucine, an amino acid with highly similar properties. This amino acid position is conserved. In addition, this alteration is predicted to be tolerated by in silico analysis. Based on the available evidence, the clinical significance of this variant remains unclear.

NM_001283009.2(RTEL1):c.243C>A (p.Phe81Leu)

Genes: RTEL1 (regulator of telomere elongation helicase 1; plus strand), RTEL1-TNFRSF6B (RTEL1-TNFRSF6B readthrough (NMD candidate); plus strand). Cytogenetic location: 20q13.33.
Variant type: single nucleotide variant.
Coding change: c.243C>A on transcript NM_001283009.2 (MANE Select); coding-DNA position 243, C replaced by A.
Protein change: p.Phe81Leu; replaces phenylalanine 81 with leucine.
Molecular consequence: missense variant. On other transcripts: non-coding transcript variant (1), 5 prime UTR variant (1).
Genome position (GRCh38, 1-based): chr20:63,661,438, C>A. VCF-style: chr20-63661438-C-A. GRCh37 (hg19) VCF-style: chr20-62292791-C-A.
Other names: c.-427C>A (NM_001283010.1); c.243C>A, p.Phe81Leu (NM_016434.4, NM_032957.5); short protein forms F81L.
Identifiers: ClinVar variation 4157642 (VCV004157642.1).